The following is an entry in ClinVar:

NM_001267550.2(TTN):c.41884+4T>C

Gene: TTN (titin; minus strand). Cytogenetic location: 2q31.2.
Variant type: single nucleotide variant.
Coding change: c.41884+4T>C on transcript NM_001267550.2 (MANE Select); 4 bases into the intron after coding-DNA position 41884, T replaced by C.
Molecular consequence: intron variant.
Genome position (GRCh38, 1-based): chr2:178,635,436, A>G on the plus strand (T>C on the coding strand, the complement: TTN is on the minus strand). VCF-style: chr2-178635436-A-G. GRCh37 (hg19) VCF-style: chr2-179500163-A-G.
Other names: c.14689+4T>C (NM_003319.4); c.15265+4T>C (NM_133437.4); c.15064+4T>C (NM_133432.3); c.34180+4T>C (NM_133378.4); c.36961+4T>C (NM_001256850.1).
Identifiers: ClinVar variation 1773289 (VCV001773289.2), dbSNP rs566363707, ClinGen allele CA1996204.

ClinVar aggregate classification (germline): Uncertain significance (1 of 4 stars; one submission).

Conditions:
Cardiovascular phenotype. Identifiers: MedGen CN230736.

Allele frequency attached by ClinVar (database versions not stated): gnomAD exomes below 0.00001; ExAC 0.00001; gnomAD 0.00001; 1000 Genomes Project 30x 0.00016; 1000 Genomes Project 0.00020.
gnomAD v4.1: 3 of 1,605,278 alleles (0.00019%); highest among the groups gnomAD compares: African/African-American, 0.004%; no homozygotes.

Submission:

Ambry Genetics
Classification: Uncertain significance for Cardiovascular phenotype. Last evaluated: 2021-03-02. Review status: criteria provided, single submitter. Criteria: Ambry Variant Classification Scheme 2023. Collection method: clinical testing. Allele origin: germline.
Comment: The c.14689+4T>C intronic variant results from a T to C substitution 4 nucleotides after coding exon 54 in the TTN gene. This nucleotide position is not well conserved in available vertebrate species. In silico splice site analysis predicts that this alteration will not have any significant effect on splicing. Since supporting evidence is limited at this time, the clinical significance of this alteration remains unclear.